The following is an entry in ClinVar:

NM_006767.4(LZTR1):c.2341G>A (p.Asp781Asn)

Gene: LZTR1 (leucine zipper like post translational regulator 1; plus strand). Cytogenetic location: 22q11.21.
Variant type: single nucleotide variant.
Coding change: c.2341G>A on transcript NM_006767.4 (MANE Select); coding-DNA position 2341, G replaced by A.
Protein change: p.Asp781Asn; replaces aspartic acid 781 with asparagine.
Molecular consequence: missense variant.
Genome position (GRCh38, 1-based): chr22:20,996,901, G>A. VCF-style: chr22-20996901-G-A. GRCh37 (hg19) VCF-style: chr22-21351190-G-A.
Other names: short protein forms D781N.
Identifiers: ClinVar variation 2447768 (VCV002447768.4), dbSNP rs1319833160, ClinGen allele CA410780990.
Genomic context (GRCh38, chr22:20,996,901, plus strand): 5'-TGAGTGGGTGAAAGGGGCAGCGCCTCAAGGTCCCTGCCATTGCAGATCCTGGAGGCAGCT[G>A]ACAAAACGCAGGCACTGGACATGAAGCGGCACTGCCTGCACATCATTGTGCACCAGTTCA-3'
Protein context (NP_006758.2, residues 771-791): QNVLQILEAA[Asp781Asn]KTQALDMKRH

ClinVar aggregate classification (germline): Uncertain significance. Review status: criteria provided, multiple submitters, no conflicts (2 of 4 stars). 2 submissions from 2 submitters: Uncertain significance (2). Last evaluated 2024-10-02.

Conditions:
Cardiovascular phenotype. Identifiers: MedGen CN230736.
Hereditary cancer-predisposing syndrome. Also called: Neoplastic Syndromes, Hereditary; Hereditary Cancer Syndrome; Tumor predisposition; Hereditary neoplastic syndrome. Identifiers: Orphanet 140162, MedGen C0027672, MeSH D009386, MONDO:0015356.

Allele frequency attached by ClinVar (database versions not stated): gnomAD exomes below 0.00001.
gnomAD v4.1: 2 of 1,612,280 alleles (0.00012%); highest among the groups gnomAD compares: Non-Finnish European, 0.00017%; no homozygotes.

Submissions (2):

Labcorp Genetics (formerly Invitae), Labcorp
Classification: Uncertain significance. Last evaluated: 2024-10-02. Review status: criteria provided, single submitter. Criteria: Invitae Variant Classification Sherloc (09022015). Collection method: clinical testing. Allele origin: germline.
Comment: This sequence change replaces aspartic acid, which is acidic and polar, with asparagine, which is neutral and polar, at codon 781 of the LZTR1 protein (p.Asp781Asn). This variant is present in population databases (no rsID available, gnomAD 0.0009%). This variant has not been reported in the literature in individuals affected with LZTR1-related conditions. ClinVar contains an entry for this variant (Variation ID: 2447768). Invitae Evidence Modeling of protein sequence and biophysical properties (such as structural, functional, and spatial information, amino acid conservation, physicochemical variation, residue mobility, and thermodynamic stability) indicates that this missense variant is not expected to disrupt LZTR1 protein function with a negative predictive value of 80%. In summary, the available evidence is currently insufficient to determine the role of this variant in disease. Therefore, it has been classified as a Variant of Uncertain Significance.

Ambry Genetics
Classification: Uncertain significance for Cardiovascular phenotype; Hereditary cancer-predisposing syndrome. Last evaluated: 2023-03-03. Review status: criteria provided, single submitter. Criteria: Ambry Variant Classification Scheme 2023. Collection method: clinical testing. Allele origin: germline.
Comment: The p.D781N variant (also known as c.2341G>A), located in coding exon 20 of the LZTR1 gene, results from a G to A substitution at nucleotide position 2341. The aspartic acid at codon 781 is replaced by asparagine, an amino acid with highly similar properties. This amino acid position is conserved. In addition, this alteration is predicted to be tolerated by in silico analysis. Since supporting evidence is limited at this time, the clinical significance of this alteration remains unclear.